The following is an entry in ClinVar:

ClinVar aggregate classification (germline): Pathogenic (1 of 4 stars; one submission).

Submission:

Labcorp Genetics (formerly Invitae), Labcorp
Classification: Pathogenic. Last evaluated: 2023-12-11. Review status: criteria provided, single submitter. Criteria: Invitae Variant Classification Sherloc (09022015). Collection method: clinical testing. Allele origin: germline.
Comment: This variant is a gross deletion of the genomic region encompassing exon(s) 1 of the ABCA4 gene, which includes the initiator codon. This deletion extends beyond the assayed region for this gene and therefore may encompass additional genes. It is expected to result in an absent or disrupted protein product. Loss-of-function variants in ABCA4 are known to be pathogenic (PMID: 10958761, 24938718, 25312043, 26780318). This variant has not been reported in the literature in individuals affected with ABCA4-related conditions. For these reasons, this variant has been classified as Pathogenic.

Literature cited by the submitters: PubMed 10958761; PubMed 24938718; PubMed 25312043; PubMed 26780318.

NC_000001.10:g.(?_94586516)_(94586601_?)del

Gene: ABCA4 (ATP binding cassette subfamily A member 4; minus strand). Cytogenetic location: 1p22.1.
Variant type: Deletion.
Identifiers: ClinVar variation 1073070 (VCV001073070.6).